The following is an entry in ClinVar:

NM_001035.3(RYR2):c.6556-11T>C

Gene: RYR2 (ryanodine receptor 2; plus strand). Cytogenetic location: 1q43.
Variant type: single nucleotide variant.
Coding change: c.6556-11T>C on transcript NM_001035.3 (MANE Select); 11 bases into the intron before coding-DNA position 6556, T replaced by C.
Molecular consequence: intron variant.
Genome position (GRCh38, 1-based): chr1:237,633,567, T>C. VCF-style: chr1-237633567-T-C. GRCh37 (hg19) VCF-style: chr1-237796867-T-C.
Identifiers: ClinVar variation 1566609 (VCV001566609.9), dbSNP rs372925188, ClinGen allele CA087145.

ClinVar aggregate classification (germline): Conflicting classifications of pathogenicity. Review status: criteria provided, conflicting classifications (1 of 4 stars). 2 submissions from 2 submitters: Uncertain significance (1); Likely benign (1). Last evaluated 2025-07-09.

Conditions:
Cardiomyopathy (CMYO). Also called: Cardiomyopathies. Identifiers: Orphanet 167848, MedGen C0878544, MONDO:0004994, HP:0001638. Inheritance: Various modes of inheritance.
Catecholaminergic polymorphic ventricular tachycardia 1. Also called: VENTRICULAR TACHYCARDIA, STRESS-INDUCED POLYMORPHIC 1; RYR2-Related Catecholaminergic Polymorphic Ventricular Tachycardia; VENTRICULAR TACHYCARDIA, CATECHOLAMINERGIC POLYMORPHIC, 1, WITH OR WITHOUT ATRIAL DYSFUNCTION AND/OR DILATED CARDIOMYOPATHY. Identifiers: Orphanet 3286, MedGen C1631597, MONDO:0011484, OMIM 604772.

Allele frequency attached by ClinVar (database versions not stated): gnomAD exomes below 0.00001; TOPMed below 0.00001; ExAC 0.00001; ESP Exome Variant Server 0.00008.
gnomAD v4.1: 2 of 1,613,732 alleles (0.00012%); highest among the groups gnomAD compares: Non-Finnish European, 0.00017%; no homozygotes.

Submissions (2):

Color Diagnostics, LLC DBA Color Health
Classification: Uncertain significance for Cardiomyopathy. Last evaluated: 2025-07-09. Review status: criteria provided, single submitter. Criteria: ACMG Guidelines, 2015. Collection method: clinical testing. Allele origin: germline.
Comment: This variant causes a T to C nucleotide substitution at the -11 position of intron 42 of the RYR2 gene. To our knowledge, functional studies have not been reported for this variant. This variant has not been reported in individuals affected with RYR2-related disorders in the literature. This variant has been identified in 1/249094 chromosomes in the general population by the Genome Aggregation Database (gnomAD). The available evidence is insufficient to determine the role of this variant in disease conclusively. Therefore, this variant is classified as a Variant of Uncertain Significance.

Labcorp Genetics (formerly Invitae), Labcorp
Classification: Likely benign for Catecholaminergic polymorphic ventricular tachycardia 1. Last evaluated: 2022-07-05. Review status: criteria provided, single submitter. Criteria: Invitae Variant Classification Sherloc (09022015). Collection method: clinical testing. Allele origin: germline.